The following is an entry in ClinVar:

ClinVar aggregate classification (germline): Uncertain significance (1 of 4 stars; one submission).

Conditions:
Autosomal dominant Parkinson disease 8. Also called: LRRK2-Related Parkinson Disease; Parkinson disease 8; Parkinson disease 8, susceptibility to. Identifiers: Orphanet 411602, MedGen C1846862, MONDO:0011764, OMIM 607060.

Allele frequency attached by ClinVar (database versions not stated): gnomAD 0.00001; gnomAD exomes 0.00001; TOPMed 0.00001.
gnomAD v4.1: 13 of 1,613,910 alleles (0.00081%); highest among the groups gnomAD compares: Non-Finnish European, 0.0011%; no homozygotes.

Submission:

Labcorp Genetics (formerly Invitae), Labcorp
Classification: Uncertain significance for Autosomal dominant Parkinson disease 8. Last evaluated: 2019-11-22. Review status: criteria provided, single submitter. Criteria: Invitae Variant Classification Sherloc (09022015). Collection method: clinical testing. Allele origin: germline.
Comment: In summary, the available evidence is currently insufficient to determine the role of this variant in disease. Therefore, it has been classified as a Variant of Uncertain Significance. Algorithms developed to predict the effect of missense changes on protein structure and function output the following: SIFT: "Tolerated"; PolyPhen-2: "Benign"; Align-GVGD: "Class C0". The alanine amino acid residue is found in multiple mammalian species, suggesting that this missense change does not adversely affect protein function. These predictions have not been confirmed by published functional studies and their clinical significance is uncertain. This variant has not been reported in the literature in individuals with LRRK2-related conditions. This variant is not present in population databases (ExAC no frequency). This sequence change replaces glycine with alanine at codon 2188 of the LRRK2 protein (p.Gly2188Ala). The glycine residue is moderately conserved and there is a small physicochemical difference between glycine and alanine.

NM_198578.4(LRRK2):c.6563G>C (p.Gly2188Ala)

Gene: LRRK2 (leucine rich repeat kinase 2; plus strand). Cytogenetic location: 12q12.
Variant type: single nucleotide variant.
Coding change: c.6563G>C on transcript NM_198578.4 (MANE Select); coding-DNA position 6563, G replaced by C.
Protein change: p.Gly2188Ala; replaces glycine 2188 with alanine.
Molecular consequence: missense variant.
Genome position (GRCh38, 1-based): chr12:40,351,720, G>C. VCF-style: chr12-40351720-G-C. GRCh37 (hg19) VCF-style: chr12-40745522-G-C.
Other names: short protein forms G2188A.
Identifiers: ClinVar variation 846126 (VCV000846126.9), dbSNP rs202072135, ClinGen allele CA235343752.